The following is an entry in ClinVar:

ClinVar aggregate classification (germline): Likely benign (1 of 4 stars; one submission).

Allele frequency attached by ClinVar (database versions not stated): 1000 Genomes Project 30x 0.00031; 1000 Genomes Project 0.00040; ExAC 0.00165; gnomAD 0.00202; TOPMed 0.00223; ESP Exome Variant Server 0.00261; gnomAD exomes 0.00296.
gnomAD v4.1: 4,555 of 1,605,488 alleles (0.28%); highest among the groups gnomAD compares: Non-Finnish European, 0.36%; 17 homozygotes.

Submission:

CeGaT Center for Human Genetics Tuebingen
Classification: Likely benign. Last evaluated: 2022-06-01. Review status: criteria provided, single submitter. Criteria: CeGaT Center For Human Genetics Tuebingen Variant Classification Criteria Version 2. Collection method: clinical testing. Allele origin: germline. Affected: yes. Observed: 1 variant allele.
Comment: RBAK: BP4, BP7

NM_021163.4(RBAK):c.2040A>G (p.Glu680=)

Genes: RBAK (RB associated KRAB zinc finger; plus strand), RBAK-RBAKDN (RBAK-RBAKDN readthrough; plus strand). Cytogenetic location: 7p22.1.
Variant type: single nucleotide variant.
Coding change: c.2040A>G on transcript NM_021163.4 (MANE Select); coding-DNA position 2040, A replaced by G.
Protein change: p.Glu680=; no amino-acid change (glutamic acid 680 retained).
Molecular consequence: synonymous variant. On other transcripts: intron variant (1).
Genome position (GRCh38, 1-based): chr7:5,065,496, A>G. VCF-style: chr7-5065496-A-G. GRCh37 (hg19) VCF-style: chr7-5105127-A-G.
Other names: c.2040A>G, p.Glu680= (NM_001204456.2); c.239-6866A>G (NM_001204513.3).
Identifiers: ClinVar variation 2657266 (VCV002657266.24), dbSNP rs61759880, ClinGen allele CA4141149.